The following is an entry in ClinVar:

NM_004517.4(ILK):c.638A>G (p.Gln213Arg)

Genes: TAF10 (TATA-box binding protein associated factor 10; minus strand), ILK (integrin linked kinase; plus strand). Cytogenetic location: 11p15.4.
Variant type: single nucleotide variant.
Coding change: c.638A>G on transcript NM_004517.4 (MANE Select); coding-DNA position 638, A replaced by G.
Protein change: p.Gln213Arg; replaces glutamine 213 with arginine.
Molecular consequence: missense variant. On other transcripts: 3 prime UTR variant (1).
Genome position (GRCh38, 1-based): chr11:6,609,318, A>G. VCF-style: chr11-6609318-A-G. GRCh37 (hg19) VCF-style: chr11-6630549-A-G.
Other names: c.*1604T>C (NM_006284.4); c.638A>G, p.Gln213Arg (NM_001014794.3, NM_001014795.3); c.455A>G, p.Gln152Arg (NM_001278441.2); c.236A>G, p.Gln79Arg (NM_001278442.2); short protein forms Q152R, Q213R, Q79R.
Identifiers: ClinVar variation 3666603 (VCV003666603.2).

ClinVar aggregate classification (germline): Uncertain significance (1 of 4 stars; one submission).

Conditions:
Primary familial hypertrophic cardiomyopathy (HCM). Identifiers: Orphanet 99739, MedGen C0949658, MeSH D024741, MONDO:0024573. Inheritance: Various modes of inheritance.

Submission:

Labcorp Genetics (formerly Invitae), Labcorp
Classification: Uncertain significance for Primary familial hypertrophic cardiomyopathy. Last evaluated: 2024-02-07. Review status: criteria provided, single submitter. Criteria: Invitae Variant Classification Sherloc (09022015). Collection method: clinical testing. Allele origin: germline.
Comment: This sequence change replaces glutamine, which is neutral and polar, with arginine, which is basic and polar, at codon 213 of the ILK protein (p.Gln213Arg). This variant is not present in population databases (gnomAD no frequency). This variant has not been reported in the literature in individuals affected with ILK-related conditions. An algorithm developed to predict the effect of missense changes on protein structure and function (PolyPhen-2) suggests that this variant is likely to be disruptive. In summary, the available evidence is currently insufficient to determine the role of this variant in disease. Therefore, it has been classified as a Variant of Uncertain Significance.